The following is an entry in ClinVar:

ClinVar aggregate classification (germline): Uncertain significance (1 of 4 stars; one submission).

Conditions:
Epidermolysis bullosa simplex with nail dystrophy (EBS5D). Identifiers: MedGen C4225309, MONDO:0014661, OMIM 616487.
Epidermolysis bullosa simplex, Ogna type (EBS5A). Also called: Pidermolysis bullosa simplex 5A, Ogna type; EPIDERMOLYSIS BULLOSA SIMPLEX 5A, OGNA TYPE. Identifiers: Orphanet 79401, MedGen C0432317, MONDO:0007555, OMIM 131950.
Autosomal recessive limb-girdle muscular dystrophy type 2Q (LGMDR17). Also called: MUSCULAR DYSTROPHY, LIMB-GIRDLE, AUTOSOMAL RECESSIVE 17. Identifiers: Orphanet 254361, MedGen C3150989, MONDO:0013390, OMIM 613723.
Epidermolysis bullosa simplex 5B, with muscular dystrophy (EBS5B). Also called: EPIDERMOLYSIS BULLOSA SIMPLEX AND LIMB-GIRDLE MUSCULAR DYSTROPHY; Epidermolysis bullosa simplex with muscular dystrophy. Identifiers: Orphanet 257, MedGen C2931072, MONDO:0009181, OMIM 226670.
Epidermolysis bullosa simplex 5C, with pyloric atresia (EBS5C). Also called: PLEC-Related Epidermolysis Bullosa with Pyloric Atresia; Epidermolysis bullosa simplex with pyloric atresia; PLEC1-Related Epidermolysis Bullosa with Pyloric Atresia. Identifiers: Orphanet 158684, MedGen C2677349, MONDO:0012807, OMIM 612138.

Submission:

Labcorp Genetics (formerly Invitae), Labcorp
Classification: Uncertain significance for Autosomal recessive limb-girdle muscular dystrophy type 2Q; Epidermolysis bullosa simplex, Ogna type; Epidermolysis bullosa simplex with nail dystrophy; Epidermolysis bullosa simplex 5C, with pyloric atresia; Epidermolysis bullosa simplex 5B, with muscular dystrophy. Last evaluated: 2024-02-02. Review status: criteria provided, single submitter. Criteria: Invitae Variant Classification Sherloc (09022015). Collection method: clinical testing. Allele origin: germline.
Comment: This sequence change replaces aspartic acid, which is acidic and polar, with valine, which is neutral and non-polar, at codon 65 of the PLEC protein (p.Asp65Val). This variant is not present in population databases (gnomAD no frequency). This variant has not been reported in the literature in individuals affected with PLEC-related conditions. Experimental studies and prediction algorithms are not available or were not evaluated, and the functional significance of this variant is currently unknown. In summary, the available evidence is currently insufficient to determine the role of this variant in disease. Therefore, it has been classified as a Variant of Uncertain Significance.

NM_201384.3(PLEC):c.113A>T (p.Asp38Val)

Gene: PLEC (plectin; minus strand). Cytogenetic location: 8q24.3.
Variant type: single nucleotide variant.
Coding change: c.113A>T on transcript NM_201384.3 (MANE Select); coding-DNA position 113, A replaced by T.
Protein change: p.Asp38Val; replaces aspartic acid 38 with valine.
Molecular consequence: missense variant.
Genome position (GRCh38, 1-based): chr8:143,938,692, T>A on the plus strand (A>T on the coding strand, the complement: PLEC is on the minus strand). VCF-style: chr8-143938692-T-A. GRCh37 (hg19) VCF-style: chr8-145012860-T-A.
Other names: c.194A>T, p.Asp65Val (NM_000445.5, NM_001410941.1); c.71A>T, p.Asp24Val (NM_201378.4); c.47A>T, p.Asp16Val (NM_201379.3); c.524A>T, p.Asp175Val (NM_201380.4); c.17A>T, p.Asp6Val (NM_201381.3); c.113A>T, p.Asp38Val (NM_201382.4); c.125A>T, p.Asp42Val (NM_201383.3); short protein forms D16V, D175V, D24V, D38V, D42V, D65V, D6V.
Identifiers: ClinVar variation 3754385 (VCV003754385.2).